The following is an entry in ClinVar:

NM_001010892.3(RSPH4A):c.39C>T (p.Asn13=)

Gene: RSPH4A (radial spoke head component 4A; plus strand). Cytogenetic location: 6q22.1.
Variant type: single nucleotide variant.
Coding change: c.39C>T on transcript NM_001010892.3 (MANE Select); coding-DNA position 39, C replaced by T.
Protein change: p.Asn13=; no amino-acid change (asparagine 13 retained).
Molecular consequence: synonymous variant.
Genome position (GRCh38, 1-based): chr6:116,616,662, C>T. VCF-style: chr6-116616662-C-T. GRCh37 (hg19) VCF-style: chr6-116937825-C-T.
Other names: c.39C>T, p.Asn13= (NM_001161664.2).
Identifiers: ClinVar variation 2656865 (VCV002656865.24), dbSNP rs1562387540, ClinGen allele CA451903493.
Genomic context (GRCh38, chr6:116,616,662, plus strand): 5'-TTTTTTTTCTTGAACTGCTTCCATGGAGGACTCAACCTCCCCGAAGCAAGAAAAAGAAAA[C>T]CAAGAAGAACTAGGGGAAACAAGGCGGCCATGGGAAGGAAAGACAGCAGCTTCTCCCCAA-3'
Protein context (NP_001010892.1, residues 3-23): DSTSPKQEKE[Asn13=]QEELGETRRP

ClinVar aggregate classification (germline): Likely benign (1 of 4 stars; one submission).

Submission:

CeGaT Center for Human Genetics Tuebingen
Classification: Likely benign. Last evaluated: 2023-02-01. Review status: criteria provided, single submitter. Criteria: CeGaT Center For Human Genetics Tuebingen Variant Classification Criteria Version 2. Collection method: clinical testing. Allele origin: germline. Affected: yes. Observed: 1 variant allele.
Comment: RSPH4A: PM2:Supporting, BP4, BP7